The following is an entry in ClinVar:

ClinVar aggregate classification (germline): Conflicting classifications of pathogenicity. Review status: criteria provided, conflicting classifications (1 of 4 stars). 9 submissions from 9 submitters: Uncertain significance (3); Benign (1); Likely benign (3). 2 of the submissions do not count toward it. Last evaluated 2026-02-01.

Conditions:
TNFAIP3-related disorder. Also called: TNFAIP3-related condition.
Autoinflammatory syndrome, familial, Behcet-like. Identifiers: MedGen CN234876, MONDO:0031384.

Allele frequency attached by ClinVar (database versions not stated): ExAC 0.00045; gnomAD exomes 0.00045 and 0.00096; gnomAD 0.00064 and 0.00067; ESP Exome Variant Server 0.00069; TOPMed 0.00070.

Submissions (9):

Labcorp Genetics (formerly Invitae), Labcorp
Classification: Likely benign. Last evaluated: 2026-02-01. Review status: criteria provided, single submitter. Criteria: Invitae Variant Classification Sherloc (09022015). Collection method: clinical testing. Allele origin: germline.

CeGaT Center for Human Genetics Tuebingen
Classification: Benign. Last evaluated: 2025-06-01. Review status: criteria provided, single submitter. Criteria: CeGaT Center For Human Genetics Tuebingen Variant Classification Criteria Version 2. Collection method: clinical testing. Allele origin: germline. Affected: yes. Observed: 2 variant alleles.
Comment: TNFAIP3: BS1, BS2

Women's Health and Genetics/Laboratory Corporation of America, LabCorp
Classification: Likely benign. Last evaluated: 2025-05-07. Review status: criteria provided, single submitter. Criteria: LabCorp Variant Classification Summary - May 2015. Collection method: clinical testing. Allele origin: germline.
Comment: Variant summary: TNFAIP3 c.1634C>T (p.Ala545Val) results in a non-conservative amino acid change in the encoded protein sequence. Algorithms developed to predict the effect of missense changes on protein structure and function are either unavailable or do not agree on the potential impact of this missense change. The variant allele was found at a frequency of 0.00045 in 251460 control chromosomes. The observed variant frequency is approximately 453 fold of the estimated maximal expected allele frequency for a pathogenic variant in TNFAIP3 causing Autoinflammatory syndrome, familial, Behcet-like 1 phenotype (1e-06). To our knowledge, no occurrence of c.1634C>T in individuals affected with Autoinflammatory syndrome, familial, Behcet-like 1 and no experimental evidence demonstrating its impact on protein function have been reported. ClinVar contains an entry for this variant (Variation ID: 135338). Based on the evidence outlined above, the variant was classified as likely benign.

GeneDx
Classification: Uncertain significance. Last evaluated: 2025-04-17. Review status: criteria provided, single submitter. Criteria: GeneDx Variant Classification Process June 2021. Collection method: clinical testing. Allele origin: germline. Affected: yes.
Comment: Reported in two patients with frontotemporal dementia in the published literature (PMID: 35580510); In silico analysis indicates that this missense variant does not alter protein structure/function; This variant is associated with the following publications: (PMID: 35580510)

Blueprint Genetics
Classification: Likely benign. Last evaluated: 2024-10-22. Review status: criteria provided, single submitter. Criteria: ACMG Guidelines, 2015. Collection method: clinical testing. Allele origin: germline.

Mayo Clinic Laboratories, Mayo Clinic
Classification: Uncertain significance. Last evaluated: 2024-01-29. Review status: criteria provided, single submitter. Criteria: ACMG Guidelines, 2015. Collection method: clinical testing. Allele origin: germline. Observed: 2 variant alleles.
Comment: BP4

ARUP Laboratories, Molecular Genetics and Genomics, ARUP Laboratories
Classification: Uncertain significance for Autoinflammatory syndrome, familial, Behcet-like 1. Last evaluated: 2021-04-17. Review status: criteria provided, single submitter. Criteria: ARUP Molecular Germline Variant Investigation Process 2021. Collection method: clinical testing. Allele origin: germline.
Comment: The TNFAIP3 c.1634C>T; p.Ala545Val variant (rs142752989) is reported in the literature in a healthy individual from a large sequencing cohort (Bodian 2014), but has not been reported in association with disease. This variant is reported in ClinVar (Variation ID: 135338), and is found in the general population with an overall allele frequency of 0.044% (125/282850 alleles) in the Genome Aggregation Database. The alanine at codon 545 is moderately conserved and computational analyses predict that this variant is neutral (REVEL: 0.083).Due to limited information, the clinical significance of the p.Ala545Val variant is uncertain at this time. References: Bodian DL et al. Germline variation in cancer-susceptibility genes in a healthy, ancestrally diverse cohort: implications for individual genome sequencing. PLoS One. 2014 Apr 11;9(4):e94554.

PreventionGenetics, part of Exact Sciences
Classification: Uncertain significance for TNFAIP3-related condition. Last evaluated: 2024-09-27. Review status: no assertion criteria provided. Collection method: clinical testing. Allele origin: germline. Not counted in ClinVar's aggregate classification.
Comment: The TNFAIP3 c.1634C>T variant is predicted to result in the amino acid substitution p.Ala545Val. To our knowledge, this variant has not been reported in the literature in association with TNFAIP3-related disease. This variant is reported in 0.087% of alleles in individuals of European (Non-Finnish) descent in gnomAD, which may be too common to be causative of disease. Although we suspect that this variant may be benign, at this time, the clinical significance of this variant is uncertain due to the absence of conclusive functional and genetic evidence.

ITMI
No classification provided. Condition: AllHighlyPenetrant. Last evaluated: 2013-09-19. Review status: no classification provided. Collection method: reference population. Allele origin: germline. Not counted in ClinVar's aggregate classification.
Comment: Please see associated publication for description of ethnicities

Literature cited by the submitters: PubMed 24728327 (cited by ITMI).

NM_001270508.2(TNFAIP3):c.1634C>T (p.Ala545Val)

Gene: TNFAIP3 (TNF alpha induced protein 3; plus strand). Cytogenetic location: 6q23.3.
Variant type: single nucleotide variant.
Coding change: c.1634C>T on transcript NM_001270508.2 (MANE Select); coding-DNA position 1634, C replaced by T.
Protein change: p.Ala545Val; replaces alanine 545 with valine.
Molecular consequence: missense variant.
Genome position (GRCh38, 1-based): chr6:137,879,079, C>T. VCF-style: chr6-137879079-C-T. GRCh37 (hg19) VCF-style: chr6-138200216-C-T.
Other names: p.Ala545Val; c.1634C>T, p.Ala545Val (NM_001270507.2, NM_006290.4); c.1634C>T (NM_006290.3); short protein forms A545V.
Identifiers: ClinVar variation 135338 (VCV000135338.43), dbSNP rs142752989, ClinGen allele CA162423.